The following is an entry in ClinVar:

ClinVar aggregate classification (germline): Uncertain significance. Review status: criteria provided, multiple submitters, no conflicts (2 of 4 stars). 2 submissions from 2 submitters: Uncertain significance (2). Last evaluated 2024-12-24.

Conditions:
Inborn genetic diseases. Identifiers: MedGen C0950123, MeSH D030342.

Allele frequency attached by ClinVar (database versions not stated): ExAC 0.00001; TOPMed 0.00001.
gnomAD v4.1: 1 of 1,611,256 alleles (0.000062%); highest among the groups gnomAD compares: Admixed American, 0.0017%; no homozygotes.

Submissions (2):

Ambry Genetics
Classification: Uncertain significance for Inborn genetic diseases. Last evaluated: 2024-12-24. Review status: criteria provided, single submitter. Criteria: Ambry Variant Classification Scheme 2023. Collection method: clinical testing. Allele origin: germline.

Labcorp Genetics (formerly Invitae), Labcorp
Classification: Uncertain significance. Last evaluated: 2022-12-16. Review status: criteria provided, single submitter. Criteria: Invitae Variant Classification Sherloc (09022015). Collection method: clinical testing. Allele origin: germline.
Comment: This variant is present in population databases (rs200435739, gnomAD 0.003%). In summary, the available evidence is currently insufficient to determine the role of this variant in disease. Therefore, it has been classified as a Variant of Uncertain Significance. Advanced modeling of protein sequence and biophysical properties (such as structural, functional, and spatial information, amino acid conservation, physicochemical variation, residue mobility, and thermodynamic stability) has been performed at Invitae for this missense variant, however the output from this modeling did not meet the statistical confidence thresholds required to predict the impact of this variant on CUL3 protein function. This variant has not been reported in the literature in individuals affected with CUL3-related conditions. This sequence change replaces methionine, which is neutral and non-polar, with threonine, which is neutral and polar, at codon 603 of the CUL3 protein (p.Met603Thr).

NM_003590.5(CUL3):c.1808T>C (p.Met603Thr)

Gene: CUL3 (cullin 3; minus strand). Cytogenetic location: 2q36.2.
Variant type: single nucleotide variant.
Coding change: c.1808T>C on transcript NM_003590.5 (MANE Select); coding-DNA position 1808, T replaced by C.
Protein change: p.Met603Thr; replaces methionine 603 with threonine.
Molecular consequence: missense variant.
Genome position (GRCh38, 1-based): chr2:224,495,866, A>G on the plus strand (T>C on the coding strand, the complement: CUL3 is on the minus strand). VCF-style: chr2-224495866-A-G. GRCh37 (hg19) VCF-style: chr2-225360583-A-G.
Other names: c.1610T>C, p.Met537Thr (NM_001257197.2); c.1826T>C, p.Met609Thr (NM_001257198.2); c.1808T>C (NM_003590.3); short protein forms M603T, M537T, M609T.
Identifiers: ClinVar variation 2791795 (VCV002791795.4), dbSNP rs200435739, ClinGen allele CA2139891.